The following is an entry in ClinVar:

NM_198253.3(TERT):c.1835C>T (p.Ala612Val)

Gene: TERT (telomerase reverse transcriptase; minus strand). Cytogenetic location: 5p15.33.
Variant type: single nucleotide variant.
Coding change: c.1835C>T on transcript NM_198253.3 (MANE Select); coding-DNA position 1835, C replaced by T.
Protein change: p.Ala612Val; replaces alanine 612 with valine.
Molecular consequence: missense variant. On other transcripts: non-coding transcript variant (2).
Genome position (GRCh38, 1-based): chr5:1,280,273, G>A on the plus strand (C>T on the coding strand, the complement: TERT is on the minus strand). VCF-style: chr5-1280273-G-A. GRCh37 (hg19) VCF-style: chr5-1280388-G-A.
Other names: c.1835C>T, p.Ala612Val (NM_001193376.3, NM_003219.1); short protein forms A612V.
Identifiers: ClinVar variation 1781032 (VCV001781032.25), dbSNP rs2478285535, ClinGen allele CA359081839.
Genomic context (GRCh38, chr5:1,280,273, plus strand): 5'-GGCCGCAGCCCGTCAGGCTTGGGGATGAAGCGGAGTCTGGACGTCAGCAGGGCGGGCCTG[G>A]CTTCCCGATGCTGCCTGACCTCTGCTTCCGACAGCTCCCGCAGCTGCACCCTCTTCAAGT-3'
Protein context (NP_937983.2, residues 602-622): SEAEVRQHRE[Ala612Val]RPALLTSRLR

ClinVar aggregate classification (germline): Uncertain significance. Review status: criteria provided, multiple submitters, no conflicts (2 of 4 stars). 2 submissions from 2 submitters: Uncertain significance (2). Last evaluated 2025-02-15.

Conditions:
Dyskeratosis congenita. Identifiers: Orphanet 1775, MedGen C0265965, MONDO:0015780.

Submissions (2):

Ambry Genetics
Classification: Uncertain significance for Dyskeratosis congenita. Last evaluated: 2025-02-15. Review status: criteria provided, single submitter. Criteria: Ambry Variant Classification Scheme 2023. Collection method: clinical testing. Allele origin: germline.
Comment: The p.A612V variant (also known as c.1835C>T), located in coding exon 4 of the TERT gene, results from a C to T substitution at nucleotide position 1835. The alanine at codon 612 is replaced by valine, an amino acid with similar properties. This amino acid position is not well conserved in available vertebrate species. In addition, the in silico prediction for this alteration is inconclusive. Based on the available evidence, the clinical significance of this variant remains unclear.

CeGaT Center for Human Genetics Tuebingen
Classification: Uncertain significance. Last evaluated: 2024-01-01. Review status: criteria provided, single submitter. Criteria: CeGaT Center For Human Genetics Tuebingen Variant Classification Criteria Version 2. Collection method: clinical testing. Allele origin: germline. Affected: yes. Observed: 1 variant allele.
Comment: TERT: PM2